The following is an entry in ClinVar:

ClinVar aggregate classification (germline): Pathogenic (1 of 4 stars; one submission).

Submission:

Labcorp Genetics (formerly Invitae), Labcorp
Classification: Pathogenic. Last evaluated: 2020-01-03. Review status: criteria provided, single submitter. Criteria: Invitae Variant Classification Sherloc (09022015). Collection method: clinical testing. Allele origin: germline.
Comment: This variant is an out-of-frame deletion of the genomic region encompassing exon 6 of the ARID1B gene. This is expected to create a premature translational stop signal and result in an absent or disrupted protein product. This variant has not been reported in the literature in individuals with ARID1B-related conditions. For these reasons, this variant has been classified as Pathogenic. Loss-of-function variants in ARID1B are known to be pathogenic (PMID: 24674232, 25674384).

Literature cited by the submitters: PubMed 24674232; PubMed 25674384.

NC_000006.11:g.(?_157405796)_(157406039_?)del

Gene: ARID1B (AT-rich interaction domain 1B; plus strand). Cytogenetic location: 6q25.3.
Variant type: Deletion.
Identifiers: ClinVar variation 1075235 (VCV001075235.5).